The following is an entry in ClinVar:

NC_000012.11:g.(?_122286885)_(122287716_?)del

Gene: HPD (4-hydroxyphenylpyruvate dioxygenase; minus strand). Cytogenetic location: 12q24.31.
Variant type: Deletion.
Identifiers: ClinVar variation 3244253 (VCV003244253.1).

ClinVar aggregate classification (germline): Pathogenic (1 of 4 stars; one submission).

Conditions:
Tyrosinemia type III. Also called: 4-HYDROXYPHENYLPYRUVIC ACID OXIDASE DEFICIENCY; Tyrosinemia type 3; 4-alpha hydroxyphenylpyruvic acid oxidase deficiency; 4-alpha hydroxyphenylpyruvate dioxygenase deficiency; 4-Hydroxyphenylpyruvate dioxygenase deficiency. Identifiers: Orphanet 69723, MedGen C0268623, MONDO:0010162, OMIM 276710.
Hawkinsinuria. Identifiers: Orphanet 2118, MedGen C2931042, MONDO:0007700, OMIM 140350, HP:0034457.

Submission:

Labcorp Genetics (formerly Invitae), Labcorp
Classification: Pathogenic for Tyrosinemia type III; Hawkinsinuria. Last evaluated: 2024-01-05. Review status: criteria provided, single submitter. Criteria: Invitae Variant Classification Sherloc (09022015). Collection method: clinical testing. Allele origin: unknown.
Comment: This variant is a gross deletion of the genomic region encompassing exon(s) 8-9 of the HPD gene. This deletion is out-of-frame, and is expected to create a premature termination codon and result in an absent or disrupted protein product. Loss-of-function variants in HPD are known to be pathogenic (PMID: 10942115, 23036342). This variant has not been reported in the literature in individuals affected with HPD-related conditions. For these reasons, this variant has been classified as Pathogenic.

Literature cited by the submitters: PubMed 10942115; PubMed 23036342.